The following is an entry in ClinVar:

ClinVar aggregate classification (germline): Uncertain significance (1 of 4 stars; one submission).

Submission:

Women's Health and Genetics/Laboratory Corporation of America, LabCorp
Classification: Uncertain significance. Last evaluated: 2024-09-16. Review status: criteria provided, single submitter. Criteria: LabCorp Variant Classification Summary - May 2015. Collection method: clinical testing. Allele origin: germline.
Comment: Variant summary: FRAS1 c.740G>A (p.Gly247Asp) results in a non-conservative amino acid change located in the VWFC domain (IPR001007) of the encoded protein sequence. Five of five in-silico tools predict a damaging effect of the variant on protein function. The frequency data for this variant in gnomAD is considered unreliable, as metrics indicate poor data quality at this position. To our knowledge, no occurrence of c.740G>A in individuals affected with Cryptophthalmos Syndrome and no experimental evidence demonstrating its impact on protein function have been reported. No submitters have cited clinical-significance assessments for this variant to ClinVar. Based on the evidence outlined above, the variant was classified as uncertain significance.

NM_025074.7(FRAS1):c.740G>A (p.Gly247Asp)

Gene: FRAS1 (Fraser extracellular matrix complex subunit 1; plus strand). Cytogenetic location: 4q21.21.
Variant type: single nucleotide variant.
Coding change: c.740G>A on transcript NM_025074.7 (MANE Select); coding-DNA position 740, G replaced by A.
Protein change: p.Gly247Asp; replaces glycine 247 with aspartic acid.
Molecular consequence: missense variant.
Genome position (GRCh38, 1-based): chr4:78,266,886, G>A. VCF-style: chr4-78266886-G-A. GRCh37 (hg19) VCF-style: chr4-79188040-G-A.
Other names: c.740G>A, p.Gly247Asp (NM_001166133.2); short protein forms G247D.
Identifiers: ClinVar variation 3375453 (VCV003375453.1).